The following is an entry in ClinVar:

ClinVar aggregate classification (germline): Likely pathogenic (1 of 4 stars; one submission).

Conditions:
Cardiovascular phenotype. Identifiers: MedGen CN230736.

Submission:

Ambry Genetics
Classification: Likely pathogenic for Cardiovascular phenotype. Last evaluated: 2023-05-22. Review status: criteria provided, single submitter. Criteria: Ambry Variant Classification Scheme 2023. Collection method: clinical testing. Allele origin: germline.
Comment: The c.110_110+1dupGG variant results from a duplication of 2 nucleotides between positions 110 and 110+1 and involves the canonical splice donor site after coding exon 1 of the TCAP gene. This variant is considered to be rare based on population cohorts in the Genome Aggregation Database (gnomAD). The canonical splice donor site is highly conserved in available vertebrate species. In silico splice site analysis predicts that this alteration will weaken the native splice donor site and will result in the creation or strengthening of a novel splice donor site. Alterations that disrupt the canonical splice site are expected to cause aberrant splicing, resulting in an abnormal protein or a transcript that is subject to nonsense-mediated mRNA decay. As such, this alteration is classified as likely pathogenic.

NM_003673.4(TCAP):c.110_110+1dup

Gene: TCAP (titin-cap; plus strand). Cytogenetic location: 17q12.
Variant type: Duplication.
Coding change: c.110_110+1dup on transcript NM_003673.4 (MANE Select); coding-DNA position 110 through the canonical splice donor site of the intron after coding-DNA position 110, 2 bases duplicated (GG; older notation c.110_110+1dupGG).
Molecular consequence: splice donor variant.
Genome position (GRCh38, 1-based): chr17:39,665,469-39,665,470, GG duplicated; duplicating any 2 consecutive bases within chr17:39,665,467-39,665,470 gives the same sequence; the c. name uses the placement nearest the transcript's 3' end. VCF-style (leftmost placement, unchanged base first): chr17-39665466-A-AGG. GRCh37 (hg19) VCF-style: chr17-37821719-A-AGG.
Identifiers: ClinVar variation 2562755 (VCV002562755.2), dbSNP rs786205076, ClinGen allele CA2580613271.